The following is an entry in ClinVar:

NM_000548.5(TSC2):c.864C>G (p.Asp288Glu)

Gene: TSC2 (TSC complex subunit 2; plus strand). Cytogenetic location: 16p13.3.
Variant type: single nucleotide variant.
Coding change: c.864C>G on transcript NM_000548.5 (MANE Select); coding-DNA position 864, C replaced by G.
Protein change: p.Asp288Glu; replaces aspartic acid 288 with glutamic acid.
Molecular consequence: missense variant.
Genome position (GRCh38, 1-based): chr16:2,058,762, C>G. VCF-style: chr16-2058762-C-G. GRCh37 (hg19) VCF-style: chr16-2108763-C-G.
Other names: c.864C>G, p.Asp288Glu (NM_001077183.3, NM_001114382.3, NM_001363528.2 and 3 more transcripts); c.753C>G, p.Asp251Glu (NM_001318827.2); c.717C>G, p.Asp239Glu (NM_001318829.2); c.264C>G, p.Asp88Glu (NM_001318831.2); c.897C>G, p.Asp299Glu (NM_001318832.2); short protein forms D288E, D251E, D239E, D299E, D88E.
Identifiers: ClinVar variation 535930 (VCV000535930.18), dbSNP rs780887572, ClinGen allele CA276775635.

ClinVar aggregate classification (germline): Conflicting classifications of pathogenicity. Review status: criteria provided, conflicting classifications (1 of 4 stars). 4 submissions from 4 submitters: Uncertain significance (2); Likely benign (2). Last evaluated 2025-05-14.

Conditions:
Tuberous sclerosis 2 (TSC2). Identifiers: Orphanet 805, MedGen C1860707, MONDO:0013199, OMIM 613254.
Tuberous sclerosis syndrome (TSC). Also called: Tuberous Sclerosis Complex; Tuberous sclerosis. Identifiers: Orphanet 805, MedGen C0041341, MONDO:0001734.
Hereditary cancer-predisposing syndrome. Also called: Neoplastic Syndromes, Hereditary; Tumor predisposition; Hereditary Cancer Syndrome; Hereditary neoplastic syndrome. Identifiers: Orphanet 140162, MedGen C0027672, MeSH D009386, MONDO:0015356.

Allele frequency attached by ClinVar (database versions not stated): gnomAD 0.00001; TOPMed 0.00002.

Submissions (4):

Labcorp Genetics (formerly Invitae), Labcorp
Classification: Likely benign for Tuberous sclerosis 2. Last evaluated: 2025-05-14. Review status: criteria provided, single submitter. Criteria: Invitae Variant Classification Sherloc (09022015). Collection method: clinical testing. Allele origin: germline.

Ambry Genetics
Classification: Likely benign for Hereditary cancer-predisposing syndrome. Last evaluated: 2024-07-10. Review status: criteria provided, single submitter. Criteria: Ambry Variant Classification Scheme 2023. Collection method: clinical testing. Allele origin: germline.

All of Us Research Program, National Institutes of Health
Classification: Uncertain significance for Tuberous sclerosis syndrome. Last evaluated: 2024-05-30. Review status: criteria provided, single submitter. Criteria: ACMG Guidelines, 2015. Collection method: clinical testing. Allele origin: germline. Inheritance: Autosomal dominant inheritance. Observed: 5 variant alleles, 5 heterozygotes.
Comment: This missense variant replaces aspartic acid with glutamic acid at codon 288 of the TSC2 protein. Computational prediction suggests that this variant may not impact protein structure and function (internally defined REVEL score threshold <= 0.5, PMID: 27666373). To our knowledge, functional studies have not been reported for this variant. This variant has not been reported in individuals affected with tuberous sclerosis complex in the literature. This variant has not been identified in the general population by the Genome Aggregation Database (gnomAD). The available evidence is insufficient to determine the role of this variant in disease conclusively. Therefore, this variant is classified as a Variant of Uncertain Significance.

This study involves interpretation of variants in research participants for the purpose of population health screening. Participant phenotype was not available at the time of variant classification. Additional details can be found in publication PMID: 35346344, PMCID: PMC8962531

Color Diagnostics, LLC DBA Color Health
Classification: Uncertain significance for Tuberous sclerosis syndrome. Last evaluated: 2024-03-06. Review status: criteria provided, single submitter. Criteria: ACMG Guidelines, 2015. Collection method: clinical testing. Allele origin: germline.
Comment: This missense variant replaces aspartic acid with glutamic acid at codon 288 of the TSC2 protein. Computational prediction suggests that this variant may not impact protein structure and function. To our knowledge, functional studies have not been reported for this variant. This variant has not been reported in individuals affected with tuberous sclerosis complex in the literature. This variant has not been identified in the general population by the Genome Aggregation Database (gnomAD). The available evidence is insufficient to determine the role of this variant in disease conclusively. Therefore, this variant is classified as a Variant of Uncertain Significance.